The following is an entry in ClinVar:

NM_000057.2:c.741_742insALU

Gene: BLM (BLM RecQ like helicase; plus strand).
Variant type: Insertion.
Identifiers: ClinVar variation 2566827 (VCV002566827.2).

ClinVar aggregate classification (germline): Likely pathogenic (1 of 4 stars; one submission).

Conditions:
Hereditary cancer-predisposing syndrome. Also called: Hereditary neoplastic syndrome; Hereditary Cancer Syndrome; Neoplastic Syndromes, Hereditary; Tumor predisposition. Identifiers: Orphanet 140162, MedGen C0027672, MeSH D009386, MONDO:0015356.

Submission:

Ambry Genetics
Classification: Likely pathogenic for Hereditary cancer-predisposing syndrome. Last evaluated: 2023-05-09. Review status: criteria provided, single submitter. Criteria: Ambry Variant Classification Scheme 2023. Collection method: clinical testing. Allele origin: germline.
Comment: The c.741_742insAlu likely pathogenic variant results from the insertion of an Alu element between nucleotides 741 and 742 in coding exon 2 of the BLM gene. Mobile element insertions contribute to pathogenicity by either disrupting the coding sequence or inducing aberrant splicing (Belancio VP et al. Semin. Cancer Biol. 2010 Aug;20:200-10; Deininger P et al. Genome Biol. 2011 Dec;12:236; van der Klift HM Hum Mutat. 2012 Jul;33(7):1051-5). This variant is considered to be rare based on population cohorts in the Genome Aggregation Database (gnomAD). Based on the majority of available evidence to date, this variant is likely to be pathogenic.